The following is an entry in ClinVar:

ClinVar aggregate classification (germline): Uncertain significance. Review status: criteria provided, multiple submitters, no conflicts (2 of 4 stars). 3 submissions from 3 submitters: Uncertain significance (3). Last evaluated 2024-01-19.

Conditions:
Developmental and epileptic encephalopathy, 18 (DEE18). Also called: Early infantile epileptic encephalopathy 18. Identifiers: Orphanet 369894, MedGen C3809624, MONDO:0014201, OMIM 615476.
Inborn genetic diseases. Identifiers: MedGen C0950123, MeSH D030342.

Allele frequency attached by ClinVar (database versions not stated): gnomAD exomes below 0.00001 and 0.00001; ExAC 0.00002; gnomAD 0.00009 and 0.00010; TOPMed 0.00019; 1000 Genomes Project 0.00060; 1000 Genomes Project 30x 0.00062.
gnomAD v4.1: 26 of 1,613,944 alleles (0.0016%); highest among the groups gnomAD compares: Admixed American, 0.027%; no homozygotes.

Submissions (3):

Labcorp Genetics (formerly Invitae), Labcorp
Classification: Uncertain significance. Last evaluated: 2024-01-19. Review status: criteria provided, single submitter. Criteria: Invitae Variant Classification Sherloc (09022015). Collection method: clinical testing. Allele origin: germline.
Comment: This sequence change replaces glycine, which is neutral and non-polar, with glutamic acid, which is acidic and polar, at codon 1786 of the SZT2 protein (p.Gly1786Glu). This variant is present in population databases (rs183034572, gnomAD 0.01%). This variant has not been reported in the literature in individuals affected with SZT2-related conditions. ClinVar contains an entry for this variant (Variation ID: 839907). An algorithm developed to predict the effect of missense changes on protein structure and function (PolyPhen-2) suggests that this variant¬†is likely to be tolerated. In summary, the available evidence is currently insufficient to determine the role of this variant in disease. Therefore, it has been classified as a Variant of Uncertain Significance.

Genome-Nilou Lab
Classification: Uncertain significance for Developmental and epileptic encephalopathy, 18. Last evaluated: 2023-04-11. Review status: criteria provided, single submitter. Criteria: ACMG Guidelines, 2015. Collection method: clinical testing. Allele origin: germline. Affected: no.

Ambry Genetics
Classification: Uncertain significance for Inborn genetic diseases. Last evaluated: 2018-03-20. Review status: criteria provided, single submitter. Criteria: Ambry Variant Classification Scheme 2023. Collection method: clinical testing. Allele origin: germline.
Comment: The p.G1786E variant (also known as c.5357G>A), located in coding exon 37 of the SZT2 gene, results from a G to A substitution at nucleotide position 5357. The glycine at codon 1786 is replaced by glutamic acid, an amino acid with similar properties. This amino acid position is not well conserved in available vertebrate species. In addition, this alteration is predicted to be tolerated by in silico analysis. Since supporting evidence is limited at this time, the clinical significance of this alteration remains unclear.

NM_001365999.1(SZT2):c.5528G>A (p.Gly1843Glu)

Gene: SZT2 (SZT2 subunit of KICSTOR complex; plus strand). Cytogenetic location: 1p34.2.
Variant type: single nucleotide variant.
Coding change: c.5528G>A on transcript NM_001365999.1 (MANE Select); coding-DNA position 5528, G replaced by A.
Protein change: p.Gly1843Glu; replaces glycine 1843 with glutamic acid.
Molecular consequence: missense variant.
Genome position (GRCh38, 1-based): chr1:43,432,602, G>A. VCF-style: chr1-43432602-G-A. GRCh37 (hg19) VCF-style: chr1-43898273-G-A.
Other names: c.5357G>A, p.Gly1786Glu (NM_015284.4); short protein forms G1786E, G1843E.
Identifiers: ClinVar variation 839907 (VCV000839907.8), dbSNP rs183034572, ClinGen allele CA809607.
Genomic context (GRCh38, chr1:43,432,602, plus strand): 5'-CTGGGTCCCCAGAGGATTCTGAGGGTGTCCCCCTCATCAGCCTGCCCCGCGTGCCACAGG[G>A]AGGTAAGAGAGGACTTGGGCAGCAGTCTGGAGGCCAGGACCAGATCCCTGACCATGCTTC-3'
Protein context (NP_001352928.1, residues 1833-1853): PLISLPRVPQ[Gly1843Glu]GSQPGPSRGL